The following is an entry in ClinVar:

ClinVar aggregate classification (germline): Uncertain significance (1 of 4 stars; one submission).

Conditions:
Hyperphosphatasia with impaired intellectual development syndrome 2. Also called: Hyperphosphatasia with intellectual disability syndrome 2; GLYCOSYLPHOSPHATIDYLINOSITOL BIOSYNTHESIS DEFECT 6. Identifiers: Orphanet 247262, MedGen C3553637, MONDO:0013882, OMIM 614749.

Submission:

Labcorp Genetics (formerly Invitae), Labcorp
Classification: Uncertain significance for Hyperphosphatasia with impaired intellectual development syndrome 2. Last evaluated: 2022-03-15. Review status: criteria provided, single submitter. Criteria: Invitae Variant Classification Sherloc (09022015). Collection method: clinical testing. Allele origin: germline.
Comment: In summary, the available evidence is currently insufficient to determine the role of this variant in disease. Therefore, it has been classified as a Variant of Uncertain Significance. Algorithms developed to predict the effect of missense changes on protein structure and function are either unavailable or do not agree on the potential impact of this missense change (SIFT: "Deleterious"; PolyPhen-2: "Probably Damaging"; Align-GVGD: "Class C0"). This variant has not been reported in the literature in individuals affected with PIGO-related conditions. This variant is not present in population databases (gnomAD no frequency). This sequence change replaces serine, which is neutral and polar, with cysteine, which is neutral and slightly polar, at codon 1078 of the PIGO protein (p.Ser1078Cys).

NM_032634.4(PIGO):c.3233C>G (p.Ser1078Cys)

Gene: PIGO (phosphatidylinositol glycan anchor biosynthesis class O; minus strand). Cytogenetic location: 9p13.3.
Variant type: single nucleotide variant.
Coding change: c.3233C>G on transcript NM_032634.4 (MANE Select); coding-DNA position 3233, C replaced by G.
Protein change: p.Ser1078Cys; replaces serine 1078 with cysteine.
Molecular consequence: missense variant.
Genome position (GRCh38, 1-based): chr9:35,089,129, G>C on the plus strand (C>G on the coding strand, the complement: PIGO is on the minus strand). VCF-style: chr9-35089129-G-C. GRCh37 (hg19) VCF-style: chr9-35089126-G-C.
Other names: c.1982C>G, p.Ser661Cys (NM_001201484.2, NM_152850.4); short protein forms S661C, S1078C.
Identifiers: ClinVar variation 2112365 (VCV002112365.4), dbSNP rs1179043464, ClinGen allele CA373316879.